The following is an entry in ClinVar:

NM_001063.4(TF):c.1008T>A (p.Tyr336Ter)

Gene: TF (transferrin; plus strand). Cytogenetic location: 3q22.1.
Variant type: single nucleotide variant.
Coding change: c.1008T>A on transcript NM_001063.4 (MANE Select); coding-DNA position 1008, T replaced by A.
Protein change: p.Tyr336Ter; replaces tyrosine 336 with a stop codon.
Molecular consequence: nonsense.
Genome position (GRCh38, 1-based): chr3:133,757,906, T>A. VCF-style: chr3-133757906-T-A. GRCh37 (hg19) VCF-style: chr3-133476750-T-A.
Other names: c.876T>A, p.Tyr292Ter (NM_001354703.2); c.627T>A, p.Tyr209Ter (NM_001354704.2); short protein forms Y209*, Y292*, Y336*.
Identifiers: ClinVar variation 5013527 (VCV005013527.1).
Genomic context (GRCh38, chr3:133,757,906, plus strand): 5'-CTCTGCCCACGGGTTTTTAAAAGTCCCCCCCAGGATGGATGCCAAGATGTACCTGGGCTA[T>A]GAGTATGTCACTGCCATCCGGAATCTACGGGAAGGCACATGTGAGTACCTGGGAAGAACC-3'

ClinVar aggregate classification (germline): Pathogenic (1 of 4 stars; one submission).

Conditions:
Atransferrinemia. Also called: Familial hypotransferrinemia. Identifiers: Orphanet 1195, MedGen C0521802, MONDO:0008846, OMIM 209300, HP:0012239.

gnomAD v4.1: 11 of 1,614,078 alleles (0.00068%); highest among the groups gnomAD compares: African/African-American, 0.0013%; no homozygotes.

Submission:

Myriad Genetics, Inc.
Classification: Pathogenic for Atransferrinemia. Last evaluated: 2024-09-04. Review status: criteria provided, single submitter. Criteria: Myriad Autosomal Dominant, Autosomal Recessive and X-Linked Classification Criteria (2023). Collection method: clinical testing. Allele origin: unknown.
Comment: NM_001063.3(TF):c.1008T>A(Y336*) is expected to be pathogenic in the context of atransferrinemia. This variant is predicted to lead to an abnormal or absent protein product due to the creation of a premature termination codon in TF, a gene where loss-of-function variants are known to be pathogenic. Please note: this variant was assessed in the context of healthy population screening.